The following is an entry in ClinVar:

ClinVar aggregate classification (germline): Uncertain significance (1 of 4 stars; one submission).

gnomAD v4.1: 23 of 1,614,188 alleles (0.0014%); highest among the groups gnomAD compares: Non-Finnish European, 0.0017%; no homozygotes.

Submission:

Labcorp Genetics (formerly Invitae), Labcorp
Classification: Uncertain significance. Last evaluated: 2025-08-07. Review status: criteria provided, single submitter. Criteria: Invitae Variant Classification Sherloc (09022015). Collection method: clinical testing. Allele origin: germline.
Comment: This sequence change replaces valine, which is neutral and non-polar, with methionine, which is neutral and non-polar, at codon 651 of the MYH7B protein (p.Val651Met). This variant is present in population databases (no rsID available, gnomAD 0.002%). This variant has not been reported in the literature in individuals affected with MYH7B-related conditions. Invitae Evidence Modeling of protein sequence and biophysical properties (such as structural, functional, and spatial information, amino acid conservation, physicochemical variation, residue mobility, and thermodynamic stability) has been performed for this missense variant. However, the output from this modeling did not meet the statistical confidence thresholds required to predict the impact of this variant on MYH7B protein function. In summary, the available evidence is currently insufficient to determine the role of this variant in disease. Therefore, it has been classified as a Variant of Uncertain Significance.

NM_020884.7(MYH7B):c.1825G>A (p.Val609Met)

Gene: MYH7B (myosin heavy chain 7B; plus strand). Cytogenetic location: 20q11.22.
Variant type: single nucleotide variant.
Coding change: c.1825G>A on transcript NM_020884.7 (MANE Select); coding-DNA position 1825, G replaced by A.
Protein change: p.Val609Met; replaces valine 609 with methionine.
Molecular consequence: missense variant.
Genome position (GRCh38, 1-based): chr20:34,990,071, G>A. VCF-style: chr20-34990071-G-A. GRCh37 (hg19) VCF-style: chr20-33577874-G-A.
Other names: short protein forms V609M.
Identifiers: ClinVar variation 4749211 (VCV004749211.1).